The following is an entry in ClinVar:

ClinVar aggregate classification (germline): Uncertain significance. Review status: criteria provided, multiple submitters, no conflicts (2 of 4 stars). 4 submissions from 3 submitters: Uncertain significance (4). Last evaluated 2024-10-11.

Conditions:
Familial cutaneous telangiectasia and oropharyngeal predisposition cancer syndrome. Identifiers: Orphanet 313846, MedGen C3281203, MONDO:0013806, OMIM 614564.
Seckel syndrome 1 (SCKL1). Also called: MICROCEPHALIC PRIMORDIAL DWARFISM I. Identifiers: Orphanet 808, MedGen C4551474, MONDO:0008869, OMIM 210600.
Inborn genetic diseases. Identifiers: MedGen C0950123, MeSH D030342.

gnomAD v4.1: 1 of 1,613,824 alleles (0.000062%); highest among the groups gnomAD compares: East Asian, 0.0022%; no homozygotes.

Submissions (4):

Ambry Genetics
Classification: Uncertain significance for Inborn genetic diseases. Last evaluated: 2024-10-11. Review status: criteria provided, single submitter. Criteria: Ambry Variant Classification Scheme 2023. Collection method: clinical testing. Allele origin: germline.
Comment: The p.G720R variant (also known as c.2158G>C), located in coding exon 10 of the ATR gene, results from a G to C substitution at nucleotide position 2158. The glycine at codon 720 is replaced by arginine, an amino acid with dissimilar properties. This amino acid position is conserved. In addition, this alteration is predicted to be tolerated by in silico analysis. Since supporting evidence is limited at this time, the clinical significance of this alteration remains unclear.

Genome-Nilou Lab
Classification: Uncertain significance for Seckel syndrome 1. Last evaluated: 2023-02-08. Review status: criteria provided, single submitter. Criteria: ACMG Guidelines, 2015. Collection method: clinical testing. Allele origin: germline.

Genome-Nilou Lab
Classification: Uncertain significance for Familial cutaneous telangiectasia and oropharyngeal predisposition cancer syndrome. Last evaluated: 2023-02-08. Review status: criteria provided, single submitter. Criteria: ACMG Guidelines, 2015. Collection method: clinical testing. Allele origin: germline.

Labcorp Genetics (formerly Invitae), Labcorp
Classification: Uncertain significance. Last evaluated: 2022-05-21. Review status: criteria provided, single submitter. Criteria: Invitae Variant Classification Sherloc (09022015). Collection method: clinical testing. Allele origin: germline.
Comment: In summary, the available evidence is currently insufficient to determine the role of this variant in disease. Therefore, it has been classified as a Variant of Uncertain Significance. Algorithms developed to predict the effect of missense changes on protein structure and function are either unavailable or do not agree on the potential impact of this missense change (SIFT: "Tolerated"; PolyPhen-2: "Possibly Damaging"; Align-GVGD: "Class C0"). This variant has not been reported in the literature in individuals affected with ATR-related conditions. This variant is not present in population databases (gnomAD no frequency). This sequence change replaces glycine, which is neutral and non-polar, with arginine, which is basic and polar, at codon 720 of the ATR protein (p.Gly720Arg).

NM_001184.4(ATR):c.2158G>C (p.Gly720Arg)

Gene: ATR (ATR checkpoint kinase; minus strand). Cytogenetic location: 3q23.
Variant type: single nucleotide variant.
Coding change: c.2158G>C on transcript NM_001184.4 (MANE Select); coding-DNA position 2158, G replaced by C.
Protein change: p.Gly720Arg; replaces glycine 720 with arginine.
Molecular consequence: missense variant.
Genome position (GRCh38, 1-based): chr3:142,556,060, C>G on the plus strand (G>C on the coding strand, the complement: ATR is on the minus strand). VCF-style: chr3-142556060-C-G. GRCh37 (hg19) VCF-style: chr3-142274902-C-G.
Other names: c.1966G>C, p.Gly656Arg (NM_001354579.2); short protein forms G720R, G656R.
Identifiers: ClinVar variation 1350305 (VCV001350305.9), dbSNP rs143633875, ClinGen allele CA354818869.